The following is an entry in ClinVar:

ClinVar aggregate classification (germline): Uncertain significance. Review status: criteria provided, multiple submitters, no conflicts (2 of 4 stars). 2 submissions from 2 submitters: Uncertain significance (2). Last evaluated 2023-08-02.

Conditions:
Early-infantile DEE. Also called: Ohtahara syndrome; Early infantile epileptic encephalopathy; Early infantile epileptic encephalopathy with suppression bursts. Identifiers: Orphanet 1934, MedGen C0393706, MONDO:0800491.

gnomAD v4.1: 2 of 1,614,134 alleles (0.00012%); highest among the groups gnomAD compares: African/African-American, 0.0013%; no homozygotes.

Submissions (2):

GeneDx
Classification: Uncertain significance. Last evaluated: 2023-08-02. Review status: criteria provided, single submitter. Criteria: GeneDx Variant Classification Process June 2021. Collection method: clinical testing. Allele origin: germline. Affected: yes.
Comment: Not observed at significant frequency in large population cohorts (gnomAD); In silico analysis supports that this missense variant has a deleterious effect on protein structure/function; Has not been previously published as pathogenic or benign to our knowledge

Labcorp Genetics (formerly Invitae), Labcorp
Classification: Uncertain significance for Early-infantile DEE. Last evaluated: 2023-06-23. Review status: criteria provided, single submitter. Criteria: Invitae Variant Classification Sherloc (09022015). Collection method: clinical testing. Allele origin: germline.
Comment: This variant is not present in population databases (gnomAD no frequency). This sequence change replaces isoleucine, which is neutral and non-polar, with threonine, which is neutral and polar, at codon 171 of the SPTAN1 protein (p.Ile171Thr). This variant has not been reported in the literature in individuals affected with SPTAN1-related conditions. Advanced modeling of protein sequence and biophysical properties (such as structural, functional, and spatial information, amino acid conservation, physicochemical variation, residue mobility, and thermodynamic stability) has been performed at Invitae for this missense variant, however the output from this modeling did not meet the statistical confidence thresholds required to predict the impact of this variant on SPTAN1 protein function. In summary, the available evidence is currently insufficient to determine the role of this variant in disease. Therefore, it has been classified as a Variant of Uncertain Significance.

NM_001130438.3(SPTAN1):c.512T>C (p.Ile171Thr)

Gene: SPTAN1 (spectrin alpha, non-erythrocytic 1; plus strand). Cytogenetic location: 9q34.11.
Variant type: single nucleotide variant.
Coding change: c.512T>C on transcript NM_001130438.3 (MANE Select); coding-DNA position 512, T replaced by C.
Protein change: p.Ile171Thr; replaces isoleucine 171 with threonine.
Molecular consequence: missense variant.
Genome position (GRCh38, 1-based): chr9:128,575,206, T>C. VCF-style: chr9-128575206-T-C. GRCh37 (hg19) VCF-style: chr9-131337485-T-C.
Other names: c.512T>C (NM_001130438.2); c.512T>C, p.Ile171Thr (NM_001195532.2, NM_001363759.2, NM_001363765.2 and 5 more transcripts); c.548T>C, p.Ile183Thr (NM_001375312.2, NM_001375318.1); short protein forms I183T, I171T.
Identifiers: ClinVar variation 2872449 (VCV002872449.4), dbSNP rs2541020670, ClinGen allele CA375052869.